The following is an entry in ClinVar:

NM_018368.4(LMBRD1):c.802G>A (p.Ala268Thr)

Gene: LMBRD1 (LMBR1 domain containing 1; minus strand). Cytogenetic location: 6q13.
Variant type: single nucleotide variant.
Coding change: c.802G>A on transcript NM_018368.4 (MANE Select); coding-DNA position 802, G replaced by A.
Protein change: p.Ala268Thr; replaces alanine 268 with threonine.
Molecular consequence: missense variant.
Genome position (GRCh38, 1-based): chr6:69,713,758, C>T on the plus strand (G>A on the coding strand, the complement: LMBRD1 is on the minus strand). VCF-style: chr6-69713758-C-T. GRCh37 (hg19) VCF-style: chr6-70423650-C-T.
Other names: c.583G>A, p.Ala195Thr (NM_001363722.2, NM_001367271.1, NM_001367272.1); short protein forms A268T, A195T.
Identifiers: ClinVar variation 357774 (VCV000357774.8), dbSNP rs143758103, ClinGen allele CA3879777.

ClinVar aggregate classification (germline): Uncertain significance. Review status: criteria provided, multiple submitters, no conflicts (2 of 4 stars). 3 submissions from 3 submitters: Uncertain significance (3). Last evaluated 2023-05-31.

Conditions:
Methylmalonic aciduria and homocystinuria type cblF. Also called: COBALAMIN F DISEASE; COBALAMIN, DEFECT IN LYSOSOMAL RELEASE OF; METHYLMALONIC ACIDEMIA AND HOMOCYSTINURIA, cblF TYPE; METHYLMALONIC ACIDURIA DUE TO VITAMIN B12-RELEASE DEFECT; VITAMIN B12 LYSOSOMAL RELEASE DEFECT; VITAMIN B12 STORAGE DISEASE. Identifiers: Orphanet 79284, MedGen C1848578, MONDO:0010183, OMIM 277380.
Inborn genetic diseases. Identifiers: MedGen C0950123, MeSH D030342.

Allele frequency attached by ClinVar (database versions not stated): TOPMed 0.00006; gnomAD 0.00007 and 0.00008; 1000 Genomes Project 30x 0.00016; 1000 Genomes Project 0.00020.
gnomAD v4.1: 42 of 1,613,632 alleles (0.0026%); highest among the groups gnomAD compares: African/African-American, 0.011%; no homozygotes.

Submissions (3):

Ambry Genetics
Classification: Uncertain significance for Inborn genetic diseases. Last evaluated: 2023-05-31. Review status: criteria provided, single submitter. Criteria: Ambry Variant Classification Scheme 2023. Collection method: clinical testing. Allele origin: germline.

Labcorp Genetics (formerly Invitae), Labcorp
Classification: Uncertain significance for Methylmalonic aciduria and homocystinuria type cblF. Last evaluated: 2022-05-04. Review status: criteria provided, single submitter. Criteria: Invitae Variant Classification Sherloc (09022015). Collection method: clinical testing. Allele origin: germline.
Comment: This sequence change replaces alanine, which is neutral and non-polar, with threonine, which is neutral and polar, at codon 268 of the LMBRD1 protein (p.Ala268Thr). This variant is present in population databases (rs143758103, gnomAD 0.02%). This variant has not been reported in the literature in individuals affected with LMBRD1-related conditions. ClinVar contains an entry for this variant (Variation ID: 357774). Algorithms developed to predict the effect of missense changes on protein structure and function output the following: SIFT: "Tolerated"; PolyPhen-2: "Benign"; Align-GVGD: "Class C0". The threonine amino acid residue is found in multiple mammalian species, which suggests that this missense change does not adversely affect protein function. In summary, the available evidence is currently insufficient to determine the role of this variant in disease. Therefore, it has been classified as a Variant of Uncertain Significance.

Illumina Laboratory Services, Illumina
Classification: Uncertain significance for Methylmalonic aciduria and homocystinuria type cblF. Last evaluated: 2018-01-12. Review status: criteria provided, single submitter. Criteria: ICSL Variant Classification Criteria 13 December 2019. Collection method: clinical testing. Allele origin: germline.